The following is an entry in ClinVar:

NM_000138.5(FBN1):c.3701G>A (p.Arg1234Lys)

Gene: FBN1 (fibrillin 1; minus strand). Cytogenetic location: 15q21.1.
Variant type: single nucleotide variant.
Coding change: c.3701G>A on transcript NM_000138.5 (MANE Select); coding-DNA position 3701, G replaced by A.
Protein change: p.Arg1234Lys; replaces arginine 1234 with lysine.
Molecular consequence: missense variant.
Genome position (GRCh38, 1-based): chr15:48,485,385, C>T on the plus strand (G>A on the coding strand, the complement: FBN1 is on the minus strand). VCF-style: chr15-48485385-C-T. GRCh37 (hg19) VCF-style: chr15-48777582-C-T.
Other names: c.3701G>A, p.Arg1234Lys (NM_001406716.1); short protein forms R1234K.
Identifiers: ClinVar variation 3760923 (VCV003760923.2).

ClinVar aggregate classification (germline): Uncertain significance (1 of 4 stars; one submission).

Conditions:
Marfan syndrome (MFS). Also called: MARFAN SYNDROME, TYPE I; Marfan syndrome type 1; Marfan's syndrome; Marfan syndrome, classic; FBN1-Related Marfan Syndrome. Identifiers: Orphanet 284963, Orphanet 558, MedGen C0024796, MONDO:0007947, OMIM 154700.
Familial thoracic aortic aneurysm and aortic dissection (TAAD). Also called: Thoracic aortic aneurysms and dissections. Identifiers: Orphanet 91387, MedGen C4707243, MONDO:0019625.

Submission:

Labcorp Genetics (formerly Invitae), Labcorp
Classification: Uncertain significance for Marfan syndrome; Familial thoracic aortic aneurysm and aortic dissection. Last evaluated: 2024-12-18. Review status: criteria provided, single submitter. Criteria: Invitae Variant Classification Sherloc (09022015). Collection method: clinical testing. Allele origin: germline.
Comment: This sequence change replaces arginine, which is basic and polar, with lysine, which is basic and polar, at codon 1234 of the FBN1 protein (p.Arg1234Lys). This variant is not present in population databases (gnomAD no frequency). This variant has not been reported in the literature in individuals affected with FBN1-related conditions. Invitae Evidence Modeling of protein sequence and biophysical properties (such as structural, functional, and spatial information, amino acid conservation, physicochemical variation, residue mobility, and thermodynamic stability) indicates that this missense variant is expected to disrupt FBN1 protein function with a positive predictive value of 95%. In summary, the available evidence is currently insufficient to determine the role of this variant in disease. Therefore, it has been classified as a Variant of Uncertain Significance.